The following is an entry in ClinVar:

NM_001379286.1(ZNF423):c.1794C>T (p.Asn598=)

Gene: ZNF423 (zinc finger protein 423; minus strand). Cytogenetic location: 16q12.1.
Variant type: single nucleotide variant.
Coding change: c.1794C>T on transcript NM_001379286.1 (MANE Select); coding-DNA position 1794, C replaced by T.
Protein change: p.Asn598=; no amino-acid change (asparagine 598 retained).
Molecular consequence: synonymous variant.
Genome position (GRCh38, 1-based): chr16:49,637,382, G>A on the plus strand (C>T on the coding strand, the complement: ZNF423 is on the minus strand). VCF-style: chr16-49637382-G-A. GRCh37 (hg19) VCF-style: chr16-49671293-G-A.
Other names: c.1590C>T, p.Asn530= (NM_001271620.2); c.1419C>T, p.Asn473= (NM_001330533.2); c.1770C>T, p.Asn590= (NM_015069.5).
Identifiers: ClinVar variation 1967496 (VCV001967496.27), dbSNP rs1469740645, ClinGen allele CA495445069.
Genomic context (GRCh38, chr16:49,637,382, plus strand): 5'-CACATCGGACGAGACTGGGCTCTGCTCGGCCTTGGACTTCTTGCTGTGGGCCAGTGGAAT[G>A]TTCTTGTGGTTCTCCTTGATGTGCTTGGTGAGTTTCAGGATGGAGCCAAAGATGGGGGAG-3'
Protein context (NP_001366215.1, residues 588-608): LTKHIKENHK[Asn598=]IPLAHSKKSK

ClinVar aggregate classification (germline): Likely benign. Review status: criteria provided, multiple submitters, no conflicts (2 of 4 stars). 2 submissions from 2 submitters: Likely benign (2). Last evaluated 2024-01-01.

Conditions:
Nephronophthisis 14 (NPHP14). Identifiers: Orphanet 2318, MedGen C3539071, MONDO:0013916, OMIM 614844.

Allele frequency attached by ClinVar (database versions not stated): gnomAD exomes below 0.00001; TOPMed below 0.00001; gnomAD 0.00001.
gnomAD v4.1: 3 of 1,614,120 alleles (0.00019%); highest among the groups gnomAD compares: African/African-American, 0.0013%; no homozygotes.

Submissions (2):

CeGaT Center for Human Genetics Tuebingen
Classification: Likely benign. Last evaluated: 2024-01-01. Review status: criteria provided, single submitter. Criteria: CeGaT Center For Human Genetics Tuebingen Variant Classification Criteria Version 2. Collection method: clinical testing. Allele origin: germline. Affected: yes. Observed: 1 variant allele.
Comment: ZNF423: BP4, BP7

Labcorp Genetics (formerly Invitae), Labcorp
Classification: Likely benign for Nephronophthisis 14. Last evaluated: 2022-07-08. Review status: criteria provided, single submitter. Criteria: Invitae Variant Classification Sherloc (09022015). Collection method: clinical testing. Allele origin: germline.